The following is an entry in ClinVar:

ClinVar aggregate classification (germline): Uncertain significance (1 of 4 stars; one submission).

Conditions:
Adenylosuccinate lyase deficiency (ADSLD). Also called: ADSL DEFICIENCY. Identifiers: Orphanet 46, MedGen C0268126, MONDO:0007068, OMIM 103050.

Allele frequency attached by ClinVar (database versions not stated): gnomAD 0.00011.

Submission:

Labcorp Genetics (formerly Invitae), Labcorp
Classification: Uncertain significance for Adenylosuccinate lyase deficiency. Last evaluated: 2023-11-28. Review status: criteria provided, single submitter. Criteria: Invitae Variant Classification Sherloc (09022015). Collection method: clinical testing. Allele origin: germline.
Comment: This variant occurs in a non-coding region of the ADSL gene. It does not change the encoded amino acid sequence of the ADSL protein. The frequency data for this variant in the population databases is considered unreliable, as metrics indicate poor data quality at this position in the gnomAD database. This variant has not been reported in the literature in individuals affected with ADSL-related conditions. Experimental studies and prediction algorithms are not available or were not evaluated, and the functional significance of this variant is currently unknown. In summary, the available evidence is currently insufficient to determine the role of this variant in disease. Therefore, it has been classified as a Variant of Uncertain Significance.

NC_000022.11:g.40345587A>G

Gene: ADSL (adenylosuccinate lyase; plus strand). Cytogenetic location: 22q13.1.
Variant type: single nucleotide variant.
Genome position: GRCh38 VCF-style: chr22-40345587-A-G. GRCh37 (hg19) VCF-style: chr22-40741591-A-G.
Identifiers: ClinVar variation 1517596 (VCV001517596.4), dbSNP rs9607708, ClinGen allele CA324446235.